The following is an entry in ClinVar:

ClinVar aggregate classification (germline): Uncertain significance (1 of 4 stars; one submission).

Conditions:
Gorlin syndrome. Also called: Basal cell nevus syndrome; Nevoid Basal Cell Carcinoma Syndrome. Identifiers: Orphanet 377, MedGen C0004779, MONDO:0007187.

Submission:

Labcorp Genetics (formerly Invitae), Labcorp
Classification: Uncertain significance for Gorlin syndrome. Last evaluated: 2022-08-15. Review status: criteria provided, single submitter. Criteria: Invitae Variant Classification Sherloc (09022015). Collection method: clinical testing. Allele origin: germline.
Comment: This sequence change replaces methionine, which is neutral and non-polar, with arginine, which is basic and polar, at codon 457 of the PTCH1 protein (p.Met457Arg). In summary, the available evidence is currently insufficient to determine the role of this variant in disease. Therefore, it has been classified as a Variant of Uncertain Significance. Algorithms developed to predict the effect of sequence changes on RNA splicing suggest that this variant may create or strengthen a splice site. Algorithms developed to predict the effect of missense changes on protein structure and function are either unavailable or do not agree on the potential impact of this missense change (SIFT: "Deleterious"; PolyPhen-2: "Possibly Damaging"; Align-GVGD: "Class C0"). ClinVar contains an entry for this variant (Variation ID: 1059230). This variant has not been reported in the literature in individuals affected with PTCH1-related conditions. This variant is not present in population databases (gnomAD no frequency).

NM_000264.5(PTCH1):c.1370T>G (p.Met457Arg)

Gene: PTCH1 (patched 1; minus strand). Cytogenetic location: 9q22.32.
Variant type: single nucleotide variant.
Coding change: c.1370T>G on transcript NM_000264.5 (MANE Select); coding-DNA position 1370, T replaced by G.
Protein change: p.Met457Arg; replaces methionine 457 with arginine.
Molecular consequence: missense variant. On other transcripts: non-coding transcript variant (1), intron variant (1).
Genome position (GRCh38, 1-based): chr9:95,477,680, A>C on the plus strand (T>G on the coding strand, the complement: PTCH1 is on the minus strand). VCF-style: chr9-95477680-A-C. GRCh37 (hg19) VCF-style: chr9-98239962-A-C.
Other names: c.1172T>G, p.Met391Arg (NM_001083602.3); c.1367T>G, p.Met456Arg (NM_001083603.3); c.917T>G, p.Met306Arg (NM_001083604.3, NM_001083605.3, NM_001083606.3 and 1 more transcripts); c.1347+375T>G (NM_001354918.2); short protein forms M306R, M391R, M456R, M457R.
Identifiers: ClinVar variation 1059230 (VCV001059230.9), dbSNP rs2118310654, ClinGen allele CA374118638.